The following is an entry in ClinVar:

ClinVar aggregate classification (germline): Conflicting classifications of pathogenicity. Review status: criteria provided, conflicting classifications (1 of 4 stars). 4 submissions from 4 submitters: Uncertain significance (3); Likely benign (1). Last evaluated 2025-12-15.

Conditions:
Hereditary breast ovarian cancer syndrome. Also called: BRCA1- and BRCA2-Associated Hereditary Breast and Ovarian Cancer; Hereditary breast and ovarian cancer syndrome; Hereditary breast and ovarian cancer; Hereditary breast and ovarian cancer syndrome (HBOC); Breast and ovarian cancer; Hereditary breast and/or ovarian cancer syndrome. Identifiers: Orphanet 145, MedGen C0677776, MeSH D061325, MONDO:0003582. Disease mechanism: loss of function.
Hereditary cancer-predisposing syndrome. Also called: Neoplastic Syndromes, Hereditary; Tumor predisposition; Hereditary Cancer Syndrome; Hereditary neoplastic syndrome. Identifiers: Orphanet 140162, MedGen C0027672, MeSH D009386, MONDO:0015356.

gnomAD v4.1: 4 of 1,610,150 alleles (0.00025%); highest among the groups gnomAD compares: South Asian, 0.0022%; no homozygotes.

Submissions (4):

Labcorp Genetics (formerly Invitae), Labcorp
Classification: Uncertain significance for Hereditary breast ovarian cancer syndrome. Last evaluated: 2025-12-15. Review status: criteria provided, single submitter. Criteria: Invitae Variant Classification Sherloc (09022015). Collection method: clinical testing. Allele origin: germline.
Comment: This sequence change replaces asparagine, which is neutral and polar, with lysine, which is basic and polar, at codon 1742 of the BRCA2 protein (p.Asn1742Lys). This variant is not present in population databases (gnomAD no frequency). This variant has not been reported in the literature in individuals affected with BRCA2-related conditions. ClinVar contains an entry for this variant (Variation ID: 923536). Invitae Evidence Modeling of protein sequence and biophysical properties (such as structural, functional, and spatial information, amino acid conservation, physicochemical variation, residue mobility, and thermodynamic stability) indicates that this missense variant is not expected to disrupt BRCA2 protein function with a negative predictive value of 95%. In summary, the available evidence is currently insufficient to determine the role of this variant in disease. Therefore, it has been classified as a Variant of Uncertain Significance.

Ambry Genetics
Classification: Uncertain significance for Hereditary cancer-predisposing syndrome. Last evaluated: 2024-07-09. Review status: criteria provided, single submitter. Criteria: Ambry Variant Classification Scheme 2023. Collection method: clinical testing. Allele origin: germline.
Comment: The p.N1742K variant (also known as c.5226C>G), located in coding exon 10 of the BRCA2 gene, results from a C to G substitution at nucleotide position 5226. The asparagine at codon 1742 is replaced by lysine, an amino acid with similar properties. In one study, this alteration was reported in 0/7051 unselected breast cancer patients and 1/11241 female controls of Japanese ancestry (Momozawa Y et al. Nat Commun, 2018 10;9:4083). This amino acid position is not well conserved in available vertebrate species. In addition, this alteration is predicted to be tolerated by in silico analysis. Since supporting evidence is limited at this time, the clinical significance of this alteration remains unclear.

University of Washington Department of Laboratory Medicine, University of Washington
Classification: Likely benign for Hereditary cancer-predisposing syndrome. Last evaluated: 2023-03-23. Review status: criteria provided, single submitter. Criteria: Dines et al. (Genet Med. 2020). Collection method: curation. Allele origin: germline.
Comment: Missense variant in a coldspot region where missense variants are very unlikely to be pathogenic (PMID:31911673).

BRCA2 exon 11 coldspot. Reclassification based on statistical prior probability.

Color Diagnostics, LLC DBA Color Health
Classification: Uncertain significance for Hereditary cancer-predisposing syndrome. Last evaluated: 2022-08-29. Review status: criteria provided, single submitter. Criteria: ACMG Guidelines, 2015. Collection method: clinical testing. Allele origin: germline.
Comment: This missense variant replaces asparagine with lysine at codon 1742 of the BRCA2 protein. Computational prediction suggests that this variant may not impact protein structure and function (internally defined REVEL score threshold <= 0.5, PMID: 27666373). To our knowledge, functional studies have not been reported for this variant. This variant has not been reported in individuals affected with hereditary cancer in the literature. This variant has not been identified in the general population by the Genome Aggregation Database (gnomAD). The available evidence is insufficient to determine the role of this variant in disease conclusively. Therefore, this variant is classified as a Variant of Uncertain Significance.

Literature cited by the submitters: PubMed 30287823 (cited by Ambry Genetics).

NM_000059.4(BRCA2):c.5226C>G (p.Asn1742Lys)

Gene: BRCA2 (BRCA2 DNA repair associated; plus strand). Cytogenetic location: 13q13.1.
Variant type: single nucleotide variant.
Coding change: c.5226C>G on transcript NM_000059.4 (MANE Select); coding-DNA position 5226, C replaced by G.
Protein change: p.Asn1742Lys; replaces asparagine 1742 with lysine.
Molecular consequence: missense variant.
Genome position (GRCh38, 1-based): chr13:32,339,581, C>G. VCF-style: chr13-32339581-C-G. GRCh37 (hg19) VCF-style: chr13-32913718-C-G.
Other names: short protein forms N1742K.
Identifiers: ClinVar variation 923536 (VCV000923536.12), dbSNP rs1057522266, ClinGen allele CA387784650.
Genomic context (GRCh38, chr13:32,339,581, plus strand): 5'-TACTATAGCTGAAAATGACAAAAATCATCTCTCCGAAAAACAAGATACTTATTTAAGTAA[C>G]AGTAGCATGTCTAACAGCTATTCCTACCATTCTGATGAGGTATATAATGATTCAGGATAT-3'
Protein context (NP_000050.3, residues 1732-1752): LSEKQDTYLS[Asn1742Lys]SSMSNSYSYH